The following is an entry in ClinVar:

ClinVar aggregate classification (germline): Uncertain significance. Review status: criteria provided, multiple submitters, no conflicts (2 of 4 stars). 2 submissions from 2 submitters: Uncertain significance (2). Last evaluated 2025-11-03.

Conditions:
Inborn genetic diseases. Identifiers: MedGen C0950123, MeSH D030342.
Paget disease of bone 2, early-onset (PDB2). Also called: Paget disease of bone 2. Identifiers: MedGen C4085251, MONDO:0011183, OMIM 602080.
Frontotemporal dementia and/or amyotrophic lateral sclerosis 1 (FTDALS1). Also called: Frontotemporal dementia with motor neuron disease 1; C9orf72 Frontotemporal Dementia and/or Amyotrophic Lateral Sclerosis. Identifiers: Orphanet 275872, MedGen C5779877, MONDO:0007105, OMIM 105550.

Allele frequency attached by ClinVar (database versions not stated): ExAC 0.00001; gnomAD 0.00002; TOPMed 0.00002.
gnomAD v4.1: 47 of 1,613,650 alleles (0.0029%); highest among the groups gnomAD compares: Admixed American, 0.013%; no homozygotes.

Submissions (2):

Labcorp Genetics (formerly Invitae), Labcorp
Classification: Uncertain significance for Paget disease of bone 2, early-onset; Frontotemporal dementia and/or amyotrophic lateral sclerosis 1. Last evaluated: 2025-11-03. Review status: criteria provided, single submitter. Criteria: Invitae Variant Classification Sherloc (09022015). Collection method: clinical testing. Allele origin: germline.
Comment: This sequence change replaces arginine, which is basic and polar, with histidine, which is basic and polar, at codon 212 of the SQSTM1 protein (p.Arg212His). This variant is present in population databases (rs763972646, gnomAD 0.006%). This variant has not been reported in the literature in individuals affected with SQSTM1-related conditions. ClinVar contains an entry for this variant (Variation ID: 2066043). Invitae Evidence Modeling of protein sequence and biophysical properties (such as structural, functional, and spatial information, amino acid conservation, physicochemical variation, residue mobility, and thermodynamic stability) indicates that this missense variant is not expected to disrupt SQSTM1 protein function with a negative predictive value of 80%. In summary, the available evidence is currently insufficient to determine the role of this variant in disease. Therefore, it has been classified as a Variant of Uncertain Significance.

Ambry Genetics
Classification: Uncertain significance for Inborn genetic diseases. Last evaluated: 2021-10-02. Review status: criteria provided, single submitter. Criteria: Ambry Variant Classification Scheme 2023. Collection method: clinical testing. Allele origin: germline.

NM_003900.5(SQSTM1):c.635G>A (p.Arg212His)

Gene: SQSTM1 (sequestosome 1; plus strand). Cytogenetic location: 5q35.3.
Variant type: single nucleotide variant.
Coding change: c.635G>A on transcript NM_003900.5 (MANE Select); coding-DNA position 635, G replaced by A.
Protein change: p.Arg212His; replaces arginine 212 with histidine.
Molecular consequence: missense variant.
Genome position (GRCh38, 1-based): chr5:179,824,285, G>A. VCF-style: chr5-179824285-G-A. GRCh37 (hg19) VCF-style: chr5-179251285-G-A.
Other names: c.383G>A, p.Arg128His (NM_001142298.2, NM_001142299.2); short protein forms R212H, R128H.
Identifiers: ClinVar variation 2066043 (VCV002066043.5), dbSNP rs763972646, ClinGen allele CA3600586.